The following is an entry in ClinVar:

ClinVar aggregate classification (germline): Likely benign. Review status: criteria provided, multiple submitters, no conflicts (2 of 4 stars). 4 submissions from 3 submitters: Likely benign (4). Last evaluated 2020-09-15.

Conditions:
Microphthalmia, isolated, with coloboma 3 (MCOPCB3). Also called: MICROPHTHALMIA/COLOBOMA 3; MICROPHTHALMIA, COLOBOMATOUS, 3. Identifiers: Orphanet 98938, MedGen C1864721, MONDO:0012408, OMIM 610092.
Isolated microphthalmia 2. Identifiers: Orphanet 2542, MedGen C1864720, MONDO:0012409, OMIM 610093.

Allele frequency attached by ClinVar (database versions not stated): 1000 Genomes Project 0.01338; gnomAD 0.01157; TOPMed 0.01268; gnomAD exomes 0.00160; 1000 Genomes Project 30x 0.01405.
gnomAD v4.1: 2,334 of 540,440 alleles (0.43%); highest among the groups gnomAD compares: African/African-American, 3.8%; 40 homozygotes.

Submissions (4):

GeneDx
Classification: Likely benign. Last evaluated: 2020-09-15. Review status: criteria provided, single submitter. Criteria: GeneDx Variant Classification Process June 2021. Collection method: clinical testing. Allele origin: germline. Affected: yes.

Illumina Laboratory Services, Illumina
Classification: Likely benign for Microphthalmia, isolated, with coloboma 3. Last evaluated: 2018-01-13. Review status: criteria provided, single submitter. Criteria: ICSL Variant Classification Criteria 13 December 2019. Collection method: clinical testing. Allele origin: germline.
Comment: This variant was observed in the ICSL laboratory as part of a predisposition screen in an ostensibly healthy population. It had not been previously curated by ICSL or reported in the Human Gene Mutation Database (HGMD: prior to June 1st, 2018), and was therefore a candidate for classification through an automated scoring system. Utilizing variant allele frequency, disease prevalence and penetrance estimates, and inheritance mode, an automated score was calculated to assess if this variant is too frequent to cause the disease. Based on the score and internal cut-off values, a variant classified as likely benign is not then subjected to further curation. The score for this variant resulted in a classification of likely benign for this disease.

Illumina Laboratory Services, Illumina
Classification: Likely benign for Isolated microphthalmia 2. Last evaluated: 2018-01-13. Review status: criteria provided, single submitter. Criteria: ICSL Variant Classification Criteria 13 December 2019. Collection method: clinical testing. Allele origin: germline.
Comment: the same text as in the submission from Illumina Laboratory Services, Illumina above.

Breakthrough Genomics
Classification: Likely benign. Review status: criteria provided, single submitter. Criteria: ACMG Guidelines, 2015. Collection method: not provided. Allele origin: germline. Inheritance: Autosomal recessive inheritance. Affected: yes.

NM_182894.3(VSX2):c.*261G>T

Gene: VSX2 (visual system homeobox 2; plus strand). Cytogenetic location: 14q24.3.
Variant type: single nucleotide variant.
Coding change: c.*261G>T on transcript NM_182894.3 (MANE Select); 261 bases downstream of the stop codon, G replaced by T.
Molecular consequence: 3 prime UTR variant.
Genome position (GRCh38, 1-based): chr14:74,261,180, G>T. VCF-style: chr14-74261180-G-T. GRCh37 (hg19) VCF-style: chr14-74727883-G-T.
Identifiers: ClinVar variation 314211 (VCV000314211.8), dbSNP rs115396145, ClinGen allele CA10644841.